The following is an entry in ClinVar:

NM_001378457.1(DMXL2):c.278G>T (p.Arg93Ile)

Gene: DMXL2 (Dmx like 2; minus strand). Cytogenetic location: 15q21.2.
Variant type: single nucleotide variant.
Coding change: c.278G>T on transcript NM_001378457.1 (MANE Select); coding-DNA position 278, G replaced by T.
Protein change: p.Arg93Ile; replaces arginine 93 with isoleucine.
Molecular consequence: missense variant. On other transcripts: non-coding transcript variant (2).
Genome position (GRCh38, 1-based): chr15:51,568,494, C>A on the plus strand (G>T on the coding strand, the complement: DMXL2 is on the minus strand). VCF-style: chr15-51568494-C-A. GRCh37 (hg19) VCF-style: chr15-51860691-C-A.
Other names: c.278G>T, p.Arg93Ile (NM_001174116.3, NM_001174117.3, NM_001378458.1 and 7 more transcripts); short protein forms R93I.
Identifiers: ClinVar variation 1921237 (VCV001921237.3), dbSNP rs2050440728, ClinGen allele CA392758170.

ClinVar aggregate classification (germline): Uncertain significance (1 of 4 stars; one submission).

Submission:

Labcorp Genetics (formerly Invitae), Labcorp
Classification: Uncertain significance. Last evaluated: 2024-01-15. Review status: criteria provided, single submitter. Criteria: Invitae Variant Classification Sherloc (09022015). Collection method: clinical testing. Allele origin: germline.
Comment: This sequence change replaces arginine, which is basic and polar, with isoleucine, which is neutral and non-polar, at codon 93 of the DMXL2 protein (p.Arg93Ile). This variant is not present in population databases (gnomAD no frequency). This variant has not been reported in the literature in individuals affected with DMXL2-related conditions. ClinVar contains an entry for this variant (Variation ID: 1921237). An algorithm developed to predict the effect of missense changes on protein structure and function (PolyPhen-2) suggests that this variant is likely to be disruptive. In summary, the available evidence is currently insufficient to determine the role of this variant in disease. Therefore, it has been classified as a Variant of Uncertain Significance.